The following is an entry in ClinVar:

NM_000263.4(NAGLU):c.1086G>A (p.Gly362=)

Gene: NAGLU (N-acetyl-alpha-glucosaminidase; plus strand). Cytogenetic location: 17q21.2.
Variant type: single nucleotide variant.
Coding change: c.1086G>A on transcript NM_000263.4 (MANE Select); coding-DNA position 1086, G replaced by A.
Protein change: p.Gly362=; no amino-acid change (glycine 362 retained).
Molecular consequence: synonymous variant.
Genome position (GRCh38, 1-based): chr17:42,543,092, G>A. VCF-style: chr17-42543092-G-A. GRCh37 (hg19) VCF-style: chr17-40695110-G-A.
Identifiers: ClinVar variation 722793 (VCV000722793.13), dbSNP rs754413995, ClinGen allele CA8576957.

ClinVar aggregate classification (germline): Likely benign. Review status: criteria provided, multiple submitters, no conflicts (2 of 4 stars). 4 submissions from 4 submitters: Likely benign (3). 1 of the submissions does not count toward it. Last evaluated 2025-02-21.

Conditions:
Mucopolysaccharidosis, MPS-III-B (MPS3B). Also called: MUCOPOLYSACCHARIDOSIS, TYPE IIIB; N-ACETYL-ALPHA-D-GLUCOSAMINIDASE DEFICIENCY; NAGLU DEFICIENCY; SANFILIPPO SYNDROME B; MPS III B; MPS IIIB (Sanfilippo Syndrome Type B). Identifiers: Orphanet 79270, MedGen C0086648, MONDO:0009656, OMIM 252920.
Charcot-Marie-Tooth disease axonal type 2V. Also called: CHARCOT-MARIE-TOOTH NEUROPATHY, TYPE 2V; CHARCOT-MARIE-TOOTH DISEASE, AXONAL, AUTOSOMAL DOMINANT, TYPE 2V. Identifiers: Orphanet 447964, MedGen C5569050, MONDO:0014665, OMIM 616491.
NAGLU-related disorder. Also called: NAGLU-related condition.

Allele frequency attached by ClinVar (database versions not stated): ExAC 0.00002; gnomAD 0.00001; gnomAD exomes 0.00003; TOPMed 0.00003.
gnomAD v4.1: 15 of 1,611,382 alleles (0.00093%); highest among the groups gnomAD compares: East Asian, 0.013%; no homozygotes.

Submissions (4):

PreventionGenetics, part of Exact Sciences
Classification: Likely benign for NAGLU-related condition. Last evaluated: 2025-02-21. Review status: criteria provided, single submitter. Criteria: ACMG Guidelines, 2015. Collection method: clinical testing. Allele origin: germline.
Comment: This variant is classified as likely benign based on ACMG/AMP sequence variant interpretation guidelines (Richards et al. 2015 PMID: 25741868, with internal and published modifications).

Labcorp Genetics (formerly Invitae), Labcorp
Classification: Likely benign for Charcot-Marie-Tooth disease axonal type 2V; Mucopolysaccharidosis, MPS-III-B. Last evaluated: 2024-10-19. Review status: criteria provided, single submitter. Criteria: Invitae Variant Classification Sherloc (09022015). Collection method: clinical testing. Allele origin: germline.

Blueprint Genetics
Classification: Likely benign. Last evaluated: 2024-08-29. Review status: criteria provided, single submitter. Criteria: ACMG Guidelines, 2015. Collection method: clinical testing. Allele origin: germline.

Natera, Inc.
Classification: Uncertain significance for Mucopolysaccharidosis type IIIB. Last evaluated: 2020-01-24. Review status: no assertion criteria provided. Collection method: clinical testing. Allele origin: germline. Not counted in ClinVar's aggregate classification.